The following is an entry in ClinVar:

NM_006904.7(PRKDC):c.1760C>G (p.Thr587Ser)

Gene: PRKDC (protein kinase, DNA-activated, catalytic subunit; minus strand). Cytogenetic location: 8q11.21.
Variant type: single nucleotide variant.
Coding change: c.1760C>G on transcript NM_006904.7 (MANE Select); coding-DNA position 1760, C replaced by G.
Protein change: p.Thr587Ser; replaces threonine 587 with serine.
Molecular consequence: missense variant.
Genome position (GRCh38, 1-based): chr8:47,933,036, G>C on the plus strand (C>G on the coding strand, the complement: PRKDC is on the minus strand). VCF-style: chr8-47933036-G-C. GRCh37 (hg19) VCF-style: chr8-48845596-G-C.
Other names: c.1760C>G, p.Thr587Ser (NM_001081640.2); short protein forms T587S.
Identifiers: ClinVar variation 1047315 (VCV001047315.7), dbSNP rs2090283361, ClinGen allele CA371164920.

ClinVar aggregate classification (germline): Uncertain significance. Review status: criteria provided, multiple submitters, no conflicts (2 of 4 stars). 2 submissions from 2 submitters: Uncertain significance (2). Last evaluated 2022-08-23.

Conditions:
Severe combined immunodeficiency due to DNA-PKcs deficiency. Also called: IMMUNODEFICIENCY 26 WITH NEUROLOGIC ABNORMALITIES; Immunodeficiency 26 with or without neurologic abnormalities. Identifiers: Orphanet 317425, MedGen C4014833, MONDO:0014423, OMIM 615966.

Allele frequency attached by ClinVar (database versions not stated): gnomAD exomes below 0.00001.
gnomAD v4.1: 1 of 1,595,576 alleles (0.000063%); highest among the groups gnomAD compares: Non-Finnish European, 0.000085%; no homozygotes.

Submissions (2):

Labcorp Genetics (formerly Invitae), Labcorp
Classification: Uncertain significance for Severe combined immunodeficiency due to DNA-PKcs deficiency. Last evaluated: 2022-08-23. Review status: criteria provided, single submitter. Criteria: Invitae Variant Classification Sherloc (09022015). Collection method: clinical testing. Allele origin: germline.
Comment: This sequence change replaces threonine, which is neutral and polar, with serine, which is neutral and polar, at codon 587 of the PRKDC protein (p.Thr587Ser). This variant is not present in population databases (gnomAD no frequency). This variant has not been reported in the literature in individuals affected with PRKDC-related conditions. ClinVar contains an entry for this variant (Variation ID: 1047315). Experimental studies and prediction algorithms are not available or were not evaluated, and the functional significance of this variant is currently unknown. In summary, the available evidence is currently insufficient to determine the role of this variant in disease. Therefore, it has been classified as a Variant of Uncertain Significance.

Ambry Genetics
Classification: Uncertain significance. Last evaluated: 2021-10-21. Review status: criteria provided, single submitter. Criteria: Ambry Variant Classification Scheme 2023. Collection method: clinical testing. Allele origin: germline.
Comment: The p.T587S variant (also known as c.1760C>G), located in coding exon 16 of the PRKDC gene, results from a C to G substitution at nucleotide position 1760. The threonine at codon 587 is replaced by serine, an amino acid with similar properties. This amino acid position is conserved. In addition, this alteration is predicted to be tolerated by in silico analysis. Since supporting evidence is limited at this time, the clinical significance of this alteration remains unclear.